The following is an entry in ClinVar:

ClinVar aggregate classification (germline): Uncertain significance (1 of 4 stars; one submission).

Conditions:
Regional enteritis. Also called: Enteritis, Granulomatous. Identifiers: MedGen C0678202, MeSH D003424.
Blau syndrome (BLAUS). Also called: ARTHROCUTANEOUVEAL GRANULOMATOSIS; GRANULOMATOSIS, FAMILIAL JUVENILE SYSTEMIC; GRANULOMATOSIS, FAMILIAL, BLAU TYPE; GRANULOMATOUS INFLAMMATORY ARTHRITIS, DERMATITIS, AND UVEITIS, FAMILIAL; JABS SYNDROME. Identifiers: Orphanet 90340, MedGen C5201146, MONDO:0008523, OMIM 186580.

Allele frequency attached by ClinVar (database versions not stated): gnomAD exomes below 0.00001.
gnomAD v4.1: 1 of 1,614,248 alleles (0.000062%); highest among the groups gnomAD compares: Non-Finnish European, 0.000085%; no homozygotes.

Submission:

Labcorp Genetics (formerly Invitae), Labcorp
Classification: Uncertain significance for Regional enteritis; Blau syndrome. Last evaluated: 2024-09-05. Review status: criteria provided, single submitter. Criteria: Invitae Variant Classification Sherloc (09022015). Collection method: clinical testing. Allele origin: germline.
Comment: This sequence change replaces arginine, which is basic and polar, with glycine, which is neutral and non-polar, at codon 910 of the NOD2 protein (p.Arg910Gly). This variant is not present in population databases (gnomAD no frequency). This variant has not been reported in the literature in individuals affected with NOD2-related conditions. ClinVar contains an entry for this variant (Variation ID: 2123040). Invitae Evidence Modeling of protein sequence and biophysical properties (such as structural, functional, and spatial information, amino acid conservation, physicochemical variation, residue mobility, and thermodynamic stability) indicates that this missense variant is not expected to disrupt NOD2 protein function with a negative predictive value of 95%. In summary, the available evidence is currently insufficient to determine the role of this variant in disease. Therefore, it has been classified as a Variant of Uncertain Significance.

NM_001370466.1(NOD2):c.2647A>G (p.Arg883Gly)

Gene: NOD2 (nucleotide binding oligomerization domain containing 2; plus strand). Cytogenetic location: 16q12.1.
Variant type: single nucleotide variant.
Coding change: c.2647A>G on transcript NM_001370466.1 (MANE Select); coding-DNA position 2647, A replaced by G.
Protein change: p.Arg883Gly; replaces arginine 883 with glycine.
Molecular consequence: missense variant. On other transcripts: non-coding transcript variant (1).
Genome position (GRCh38, 1-based): chr16:50,722,635, A>G. VCF-style: chr16-50722635-A-G. GRCh37 (hg19) VCF-style: chr16-50756546-A-G.
Other names: c.2647A>G, p.Arg883Gly (NM_001293557.2); c.2728A>G, p.Arg910Gly (NM_022162.3); short protein forms R910G, R883G.
Identifiers: ClinVar variation 2123040 (VCV002123040.4), dbSNP rs2506504663, ClinGen allele CA395875042.